The following is an entry in ClinVar:

NM_002024.6(FMR1):c.101A>G (p.Asn34Ser)

Gene: FMR1 (fragile X messenger ribonucleoprotein 1; plus strand). Cytogenetic location: Xq27.3.
Variant type: single nucleotide variant.
Coding change: c.101A>G on transcript NM_002024.6 (MANE Select); coding-DNA position 101, A replaced by G.
Protein change: p.Asn34Ser; replaces asparagine 34 with serine.
Molecular consequence: missense variant. On other transcripts: non-coding transcript variant (2).
Genome position (GRCh38, 1-based): chrX:147,921,982, A>G. VCF-style: chrX-147921982-A-G. GRCh37 (hg19) VCF-style: chrX-147003500-A-G.
Other names: c.101A>G, p.Asn34Ser (NM_001185075.2, NM_001185076.2, NM_001185081.2 and 1 more transcripts); c.101A>G (NM_002024.5); short protein forms N34S.
Identifiers: ClinVar variation 1308996 (VCV001308996.3), dbSNP rs1170279830, ClinGen allele CA414434582.

ClinVar aggregate classification (germline): Uncertain significance. Review status: criteria provided, multiple submitters, no conflicts (2 of 4 stars). 2 submissions from 2 submitters: Uncertain significance (2). Last evaluated 2024-07-31.

Conditions:
Inborn genetic diseases. Identifiers: MedGen C0950123, MeSH D030342.

Allele frequency attached by ClinVar (database versions not stated): TOPMed 0.00001.

Submissions (2):

Ambry Genetics
Classification: Uncertain significance for Inborn genetic diseases. Last evaluated: 2024-07-31. Review status: criteria provided, single submitter. Criteria: Ambry Variant Classification Scheme 2023. Collection method: clinical testing. Allele origin: germline.

GeneDx
Classification: Uncertain significance. Last evaluated: 2019-10-17. Review status: criteria provided, single submitter. Criteria: GeneDx Variant Classification Process June 2021. Collection method: clinical testing. Allele origin: germline. Affected: yes.
Comment: Not observed in large population cohorts (Lek et al., 2016); In silico analysis, which includes protein predictors and evolutionary conservation, supports a deleterious effect; Has not been previously published as pathogenic or benign to our knowledge